The following is an entry in ClinVar:

ClinVar aggregate classification (germline): Pathogenic/Likely pathogenic. Review status: criteria provided, multiple submitters, no conflicts (2 of 4 stars). 3 submissions from 3 submitters: Pathogenic (2); Likely pathogenic (1). Last evaluated 2024-10-14.

Conditions:
VPS13A-related neurodegenerative disease. Also called: LEVINE-CRITCHLEY SYNDROME; Choreoacanthocytosis; Chorea-acanthocytosis; VPS13A Disease; Choreaacanthocytosis; ACANTHOCYTOSIS WITH NEUROLOGIC DISORDER. Identifiers: Orphanet 2388, MedGen C0393576, MONDO:0008695, OMIM 200150.

Submissions (3):

Natera, Inc.
Classification: Likely pathogenic for Choreaacanthocytosis. Last evaluated: 2024-10-14. Review status: criteria provided, single submitter. Criteria: Natera Variant Classification Schema (03/2026). Collection method: clinical testing. Allele origin: germline.
Comment: The c.2953C>T variant in VPS13A is a nonsense variant predicted to introduce a stop codon at amino acid 985. This variant is expected to result in nonsense mediated decay, truncation, or a dysfunctional protein product. This variant is rare in the general population with a frequency below the threshold expected for the associated phenotype(s). Given the available evidence, this variant is classified as Likely Pathogenic.

Labcorp Genetics (formerly Invitae), Labcorp
Classification: Pathogenic. Last evaluated: 2019-04-06. Review status: criteria provided, single submitter. Criteria: Invitae Variant Classification Sherloc (09022015). Collection method: clinical testing. Allele origin: germline.
Comment: This sequence change creates a premature translational stop signal (p.Gln985*) in the VPS13A gene. It is expected to result in an absent or disrupted protein product. This variant is not present in population databases (ExAC no frequency). This variant has not been reported in the literature in individuals with VPS13A-related conditions. Loss-of-function variants in VPS13A are known to be pathogenic (PMID: 12404112, 21598378). For these reasons, this variant has been classified as Pathogenic.

Neuberg Centre For Genomic Medicine, NCGM
Classification: Pathogenic for VPS13A-related neurodegenerative disease. Review status: criteria provided, single submitter. Criteria: ACMG Guidelines, 2015. Collection method: clinical testing. Allele origin: germline. Inheritance: Autosomal recessive inheritance. Affected: yes.
Comment: The c.2953C>T(p.Gln985Ter) variant has not been reported previously as a pathogenic variant nor as a benign variant, to our knowledge. The p.Gln985Ter variant is novel (not in any individuals) in gnomAD Exomes and is novel (not in any individuals) in 1000 Genomes. This sequence change creates a premature translational stop signal (p.Gln985*) in the VPS13A gene. It is expected to result in an absent or disrupted protein product. This variant has not been reported in the literature in individuals with VPS13A-related conditions. Loss-of-function variants in VPS13A are known to be pathogenic (Tomiyasu A et al, Dobson-Stone C et al). For these reasons, this variant has been classified as Pathogenic.

Literature cited by the submitters: PubMed 12404112 (cited by Labcorp Genetics (formerly Invitae), Labcorp); PubMed 21598378 (cited by Labcorp Genetics (formerly Invitae), Labcorp).

NM_033305.3(VPS13A):c.2953C>T (p.Gln985Ter)

Gene: VPS13A (vacuolar protein sorting 13 homolog A; plus strand). Cytogenetic location: 9q21.2.
Variant type: single nucleotide variant.
Coding change: c.2953C>T on transcript NM_033305.3 (MANE Select); coding-DNA position 2953, C replaced by T.
Protein change: p.Gln985Ter; replaces glutamine 985 with a stop codon.
Molecular consequence: nonsense.
Genome position (GRCh38, 1-based): chr9:77,281,915, C>T. VCF-style: chr9-77281915-C-T. GRCh37 (hg19) VCF-style: chr9-79896831-C-T.
Other names: c.2953C>T, p.Gln985Ter (NM_001018037.2, NM_001018038.3, NM_015186.4); short protein forms Q985*.
Identifiers: ClinVar variation 857353 (VCV000857353.8), dbSNP rs1827048548, ClinGen allele CA373846243.
Genomic context (GRCh38, chr9:77,281,915, plus strand): 5'-CTCTTTGGATAGGCTGAAAAGAATGTACCCGACTTGAAAAGTACCTATAACAATGTTTTA[C>T]AATTGATTAAGGTATGAGTAGATAATTTATTTTTTAATTATGTACTATTTCTTATGGAAA-3'